The following is an entry in ClinVar:

NM_000094.4(COL7A1):c.4636-3C>T

Gene: COL7A1 (collagen type VII alpha 1 chain; minus strand). Cytogenetic location: 3p21.31.
Variant type: single nucleotide variant.
Coding change: c.4636-3C>T on transcript NM_000094.4 (MANE Select); 3 bases into the intron before coding-DNA position 4636, C replaced by T.
Molecular consequence: intron variant.
Genome position (GRCh38, 1-based): chr3:48,581,946, G>A on the plus strand (C>T on the coding strand, the complement: COL7A1 is on the minus strand). VCF-style: chr3-48581946-G-A. GRCh37 (hg19) VCF-style: chr3-48619379-G-A.
Other names: c.4636-3C>T (NM_000094.3).
Identifiers: ClinVar variation 991835 (VCV000991835.6), dbSNP rs200981821, ClinGen allele CA2379910.

ClinVar aggregate classification (germline): Uncertain significance. Review status: criteria provided, multiple submitters, no conflicts (2 of 4 stars). 4 submissions from 4 submitters: Uncertain significance (2). 2 of the submissions do not count toward it. Last evaluated 2024-11-14.

Conditions:
Epidermolysis bullosa dystrophica inversa, autosomal recessive. Identifiers: MedGen C2673612.
COL7A1-related disorder. Also called: COL7A1-related condition; COL7A1- related disorders.

Allele frequency attached by ClinVar (database versions not stated): gnomAD exomes 0.00002 and 0.00006; ExAC 0.00006; ESP Exome Variant Server 0.00015; gnomAD 0.00023 and 0.00024; TOPMed 0.00029; 1000 Genomes Project 0.00060; 1000 Genomes Project 30x 0.00078.
gnomAD v4.1: 68 of 1,613,980 alleles (0.0042%); highest among the groups gnomAD compares: African/African-American, 0.083%; no homozygotes.

Submissions (4):

Labcorp Genetics (formerly Invitae), Labcorp
Classification: Uncertain significance. Last evaluated: 2024-11-14. Review status: criteria provided, single submitter. Criteria: Invitae Variant Classification Sherloc (09022015). Collection method: clinical testing. Allele origin: germline.
Comment: This sequence change falls in intron 46 of the COL7A1 gene. It does not directly change the encoded amino acid sequence of the COL7A1 protein. It affects a nucleotide within the consensus splice site. This variant is present in population databases (rs200981821, gnomAD 0.09%). This variant has not been reported in the literature in individuals affected with COL7A1-related conditions. ClinVar contains an entry for this variant (Variation ID: 991835). Variants that disrupt the consensus splice site are a relatively common cause of aberrant splicing (PMID: 17576681, 9536098). Algorithms developed to predict the effect of sequence changes on RNA splicing suggest that this variant is not likely to affect RNA splicing. In summary, the available evidence is currently insufficient to determine the role of this variant in disease. Therefore, it has been classified as a Variant of Uncertain Significance.

Women's Health and Genetics/Laboratory Corporation of America, LabCorp
Classification: Uncertain significance. Last evaluated: 2024-10-13. Review status: criteria provided, single submitter. Criteria: LabCorp Variant Classification Summary - May 2015. Collection method: clinical testing. Allele origin: germline.

PreventionGenetics, part of Exact Sciences
Classification: Likely benign for COL7A1-related condition. Last evaluated: 2024-08-21. Review status: no assertion criteria provided. Collection method: clinical testing. Allele origin: germline. Not counted in ClinVar's aggregate classification.
Comment: This variant is classified as likely benign based on ACMG/AMP sequence variant interpretation guidelines (Richards et al. 2015 PMID: 25741868, with internal and published modifications).

Natera, Inc.
Classification: Uncertain significance for Autosomal recessive epidermolysis bullosa dystrophica inversa. Last evaluated: 2020-09-23. Review status: no assertion criteria provided. Collection method: clinical testing. Allele origin: germline. Not counted in ClinVar's aggregate classification.

Literature cited by the submitters: PubMed 17576681 (cited by Labcorp Genetics (formerly Invitae), Labcorp); PubMed 9536098 (cited by Labcorp Genetics (formerly Invitae), Labcorp).